The following is an entry in ClinVar:

ClinVar aggregate classification (germline): Uncertain significance. Review status: criteria provided, multiple submitters, no conflicts (2 of 4 stars). 5 submissions from 5 submitters: Uncertain significance (5). Last evaluated 2025-03-11.

Conditions:
Hereditary cancer-predisposing syndrome. Also called: Hereditary Cancer Syndrome; Tumor predisposition; Neoplastic Syndromes, Hereditary; Hereditary neoplastic syndrome. Identifiers: Orphanet 140162, MedGen C0027672, MeSH D009386, MONDO:0015356.
Ataxia-telangiectasia syndrome (AT). Also called: ATAXIA-TELANGIECTASIA, COMPLEMENTATION GROUP A; ATAXIA-TELANGIECTASIA, FRESNO VARIANT; Ataxia-telangiectasia; Ataxia-telangiectasia, complementation group E; Cerebello-oculocutaneous telangiectasia; Immunodeficiency with ataxia telangiectasia. Identifiers: Orphanet 100, MedGen C0004135, MONDO:0008840, OMIM 208900.

Allele frequency attached by ClinVar (database versions not stated): TOPMed 0.00001.
gnomAD v4.1: 3 of 1,614,070 alleles (0.00019%); highest among the groups gnomAD compares: Non-Finnish European, 0.00025%; no homozygotes.

Submissions (5):

Ambry Genetics
Classification: Uncertain significance for Hereditary cancer-predisposing syndrome. Last evaluated: 2025-03-11. Review status: criteria provided, single submitter. Criteria: Ambry Variant Classification Scheme 2023. Collection method: clinical testing. Allele origin: germline.
Comment: The p.Q2729H variant (also known as c.8187A>T), located in coding exon 55 of the ATM gene, results from an A to T substitution at nucleotide position 8187. The glutamine at codon 2729 is replaced by histidine, an amino acid with highly similar properties. This alteration has been identified in an individual diagnosed with breast cancer (Podralska M et al. BMC Cancer, 2018 Apr;18:452). This amino acid position is highly conserved in available vertebrate species. In addition, this alteration is predicted to be deleterious by in silico analysis. Based on the available evidence, the clinical significance of this variant remains unclear.

GeneDx
Classification: Uncertain significance. Last evaluated: 2025-02-20. Review status: criteria provided, single submitter. Criteria: GeneDx Variant Classification Process June 2021. Collection method: clinical testing. Allele origin: germline. Affected: yes.
Comment: Identified in patients with breast cancer and prostate cancer in published literature (PMID: 29678143, 24556621, 35127508); Not observed at significant frequency in large population cohorts (gnomAD); In silico analysis supports that this missense variant has a deleterious effect on protein structure/function; This variant is associated with the following publications: (PMID: 23532176, 15279808, 30287823, 29678143, 35127508, 36243179, 24556621)

Labcorp Genetics (formerly Invitae), Labcorp
Classification: Uncertain significance for Ataxia-telangiectasia syndrome. Last evaluated: 2025-01-25. Review status: criteria provided, single submitter. Criteria: Invitae Variant Classification Sherloc (09022015). Collection method: clinical testing. Allele origin: germline.
Comment: This sequence change replaces glutamine, which is neutral and polar, with histidine, which is basic and polar, at codon 2729 of the ATM protein (p.Gln2729His). This variant is not present in population databases (gnomAD no frequency). This missense change has been observed in individual(s) with breast cancer (PMID: 29335925, 29678143, 30287823, 35534704). ClinVar contains an entry for this variant (Variation ID: 181986). Invitae Evidence Modeling of protein sequence and biophysical properties (such as structural, functional, and spatial information, amino acid conservation, physicochemical variation, residue mobility, and thermodynamic stability) indicates that this missense variant is expected to disrupt ATM protein function with a positive predictive value of 80%. In summary, the available evidence is currently insufficient to determine the role of this variant in disease. Therefore, it has been classified as a Variant of Uncertain Significance.

Athena Diagnostics
Classification: Uncertain significance. Last evaluated: 2022-09-06. Review status: criteria provided, single submitter. Criteria: Athena Diagnostics Criteria. Collection method: clinical testing. Allele origin: unknown.

Color Diagnostics, LLC DBA Color Health
Classification: Uncertain significance for Hereditary cancer-predisposing syndrome. Last evaluated: 2022-05-09. Review status: criteria provided, single submitter. Criteria: ACMG Guidelines, 2015. Collection method: clinical testing. Allele origin: germline.
Comment: This missense variant replaces glutamine with histidine at codon 2729 of the ATM protein. Computational prediction suggests that this variant may have deleterious impact on protein structure and function (internally defined REVEL score threshold >= 0.7, PMID: 27666373). To our knowledge, functional studies have not been performed for this variant. This variant has been reported in an individual affected with breast cancer (PMID: 29678143). A different variant that results in the same amino acid change, c.8187A>C (p.Gln2729His), has been reported in individuals with breast cancer and prostate cancer (PMID: 29335925, 24556621, 35127508, 33471991). The variant c.8187A>C (p.Gln2729His) has not been identified in the general population by the Genome Aggregation Database (gnomAD). The available evidence is insufficient to determine the role of this variant in disease conclusively. Therefore, this variant is classified as a Variant of Uncertain Significance.

Literature cited by the submitters: PubMed 24556621 (cited by Ambry Genetics and Color Diagnostics, LLC DBA Color Health); PubMed 29678143 (cited by 4 submitters); PubMed 30287823 (cited by 3 submitters); PubMed 29335925 (cited by Labcorp Genetics (formerly Invitae), Labcorp and Color Diagnostics, LLC DBA Color Health); PubMed 35534704 (cited by Labcorp Genetics (formerly Invitae), Labcorp); PubMed 33471991 (cited by Color Diagnostics, LLC DBA Color Health); PubMed 35127508 (cited by Color Diagnostics, LLC DBA Color Health).

NM_000051.4(ATM):c.8187A>T (p.Gln2729His)

Genes: ATM (ATM serine/threonine kinase; plus strand), C11orf65 (chromosome 11 open reading frame 65; minus strand). Cytogenetic location: 11q22.3.
Variant type: single nucleotide variant.
Coding change: c.8187A>T on transcript NM_000051.4 (MANE Select); coding-DNA position 8187, A replaced by T.
Protein change: p.Gln2729His; replaces glutamine 2729 with histidine.
Molecular consequence: missense variant. On other transcripts: intron variant (2).
Genome position (GRCh38, 1-based): chr11:108,335,880, A>T. VCF-style: chr11-108335880-A-T. GRCh37 (hg19) VCF-style: chr11-108206607-A-T.
Other names: p.Q2729H:CAA>CAT; c.8187A>T, p.Gln2729His (NM_001351834.2); c.641-26809T>A (NM_001330368.2); c.695-588T>A (NM_001351110.2); short protein forms Q2729H.
Identifiers: ClinVar variation 181986 (VCV000181986.26), dbSNP rs587781946, ClinGen allele CA298331.